The following is an entry in ClinVar:

ClinVar aggregate classification (germline): Pathogenic (1 of 4 stars; one submission).

Allele frequency attached by ClinVar (database versions not stated): gnomAD exomes below 0.00001.
gnomAD v4.1: 2 of 1,614,096 alleles (0.00012%); highest among the groups gnomAD compares: South Asian, 0.0011%; no homozygotes.

Submission:

Labcorp Genetics (formerly Invitae), Labcorp
Classification: Pathogenic. Last evaluated: 2021-04-08. Review status: criteria provided, single submitter. Criteria: Invitae Variant Classification Sherloc (09022015). Collection method: clinical testing. Allele origin: germline.
Comment: This sequence change creates a premature translational stop signal (p.Gln28*) in the TYROBP gene. It is expected to result in an absent or disrupted protein product. Loss-of-function variants in TYROBP are known to be pathogenic (PMID: 10888890, 12370476, 15883308). This variant is not present in population databases (ExAC no frequency). This variant has not been reported in the literature in individuals with TYROBP-related conditions. For these reasons, this variant has been classified as Pathogenic.

Literature cited by the submitters: PubMed 10888890; PubMed 12370476; PubMed 15883308.

NM_003332.4(TYROBP):c.82C>T (p.Gln28Ter)

Gene: TYROBP (transmembrane immune signaling adaptor TYROBP; minus strand). Cytogenetic location: 19q13.12.
Variant type: single nucleotide variant.
Coding change: c.82C>T on transcript NM_003332.4 (MANE Select); coding-DNA position 82, C replaced by T.
Protein change: p.Gln28Ter; replaces glutamine 28 with a stop codon.
Molecular consequence: nonsense. On other transcripts: intron variant (2).
Genome position (GRCh38, 1-based): chr19:35,907,742, G>A on the plus strand (C>T on the coding strand, the complement: TYROBP is on the minus strand). VCF-style: chr19-35907742-G-A. GRCh37 (hg19) VCF-style: chr19-36398644-G-A.
Other names: c.82C>T, p.Gln28Ter (NM_198125.3); c.62-162C>T (NM_001173515.2, NM_001173514.2); short protein forms Q28*.
Identifiers: ClinVar variation 1935007 (VCV001935007.2), dbSNP rs2513975356, ClinGen allele CA405388742.